The following is an entry in ClinVar:

NM_014844.5(TECPR2):c.2374G>A (p.Gly792Arg)

Gene: TECPR2 (tectonin beta-propeller repeat containing 2; plus strand). Cytogenetic location: 14q32.31.
Variant type: single nucleotide variant.
Coding change: c.2374G>A on transcript NM_014844.5 (MANE Select); coding-DNA position 2374, G replaced by A.
Protein change: p.Gly792Arg; replaces glycine 792 with arginine.
Molecular consequence: missense variant.
Genome position (GRCh38, 1-based): chr14:102,435,191, G>A. VCF-style: chr14-102435191-G-A. GRCh37 (hg19) VCF-style: chr14-102901528-G-A.
Other names: c.2374G>A, p.Gly792Arg (NM_001172631.3); short protein forms G792R.
Identifiers: ClinVar variation 2216284 (VCV002216284.3), dbSNP rs375125759, ClinGen allele CA267057803.

ClinVar aggregate classification (germline): Uncertain significance. Review status: criteria provided, multiple submitters, no conflicts (2 of 4 stars). 2 submissions from 2 submitters: Uncertain significance (2). Last evaluated 2025-05-30.

Conditions:
Hereditary spastic paraplegia 49 (HSAN9). Also called: NEUROPATHY, HEREDITARY SENSORY AND AUTONOMIC, TYPE IX, WITH DEVELOPMENTAL DELAY; Spastic paraplegia 49, autosomal recessive; TECPR2-Related Hereditary Sensory and Autonomic Neuropathy with Intellectual Disability. Identifiers: Orphanet 320385, MedGen C5190860, MONDO:0014016, OMIM 615031.
Inborn genetic diseases. Identifiers: MedGen C0950123, MeSH D030342.

Allele frequency attached by ClinVar (database versions not stated): TOPMed 0.00002; ESP Exome Variant Server 0.00008.
gnomAD v4.1: 11 of 1,610,732 alleles (0.00068%); highest among the groups gnomAD compares: East Asian, 0.0045%; no homozygotes.

Submissions (2):

Labcorp Genetics (formerly Invitae), Labcorp
Classification: Uncertain significance for Hereditary spastic paraplegia 49. Last evaluated: 2025-05-30. Review status: criteria provided, single submitter. Criteria: Invitae Variant Classification Sherloc (09022015). Collection method: clinical testing. Allele origin: germline.
Comment: This sequence change replaces glycine, which is neutral and non-polar, with arginine, which is basic and polar, at codon 792 of the TECPR2 protein (p.Gly792Arg). This variant is present in population databases (rs375125759, gnomAD 0.003%). This variant has not been reported in the literature in individuals affected with TECPR2-related conditions. ClinVar contains an entry for this variant (Variation ID: 2216284). An algorithm developed to predict the effect of missense changes on protein structure and function (PolyPhen-2) suggests that this variant is likely to be disruptive. In summary, the available evidence is currently insufficient to determine the role of this variant in disease. Therefore, it has been classified as a Variant of Uncertain Significance.

Ambry Genetics
Classification: Uncertain significance for Inborn genetic diseases. Last evaluated: 2021-06-22. Review status: criteria provided, single submitter. Criteria: Ambry Variant Classification Scheme 2023. Collection method: clinical testing. Allele origin: germline.